The following is an entry in ClinVar:

ClinVar aggregate classification (germline): Pathogenic (1 of 4 stars; one submission).

Submission:

Labcorp Genetics (formerly Invitae), Labcorp
Classification: Pathogenic. Last evaluated: 2022-08-23. Review status: criteria provided, single submitter. Criteria: Invitae Variant Classification Sherloc (09022015). Collection method: clinical testing. Allele origin: germline.
Comment: For these reasons, this variant has been classified as Pathogenic. ClinVar contains an entry for this variant (Variation ID: 1076686). This variant has not been reported in the literature in individuals affected with RP1-related conditions. This variant is not present in population databases (gnomAD no frequency). This sequence change creates a premature translational stop signal (p.Leu172*) in the RP1 gene. It is expected to result in an absent or disrupted protein product. Loss-of-function variants in RP1 are known to be pathogenic (PMID: 11960024, 19933189).

Literature cited by the submitters: PubMed 11960024; PubMed 19933189.

NM_006269.2(RP1):c.513del (p.Leu171_Leu172insTer)

Gene: RP1 (RP1 axonemal microtubule associated; plus strand). Cytogenetic location: 8q12.1.
Variant type: Deletion.
Coding change: c.513del on transcript NM_006269.2 (MANE Select); coding-DNA position 513, one base deleted (T; older notation c.513delT).
Protein change: p.Leu171_Leu172insTer.
Molecular consequence: frameshift variant.
Genome position (GRCh38, 1-based): chr8:54,621,479, T deleted; the last of 2 consecutive T bases (chr8:54,621,478-54,621,479); deleting either gives the same sequence. VCF-style (leftmost placement, unchanged base first): chr8-54621477-CT-C. GRCh37 (hg19) VCF-style: chr8-55534037-CT-C.
Other names: c.513del, p.Leu171_Leu172insTer (NM_001375654.1).
Identifiers: ClinVar variation 1076686 (VCV001076686.7), dbSNP rs2129314450, ClinGen allele CA2499219340.